The following is an entry in ClinVar:

NM_001371727.1(GABRB2):c.1060C>T (p.Arg354Cys)

Gene: GABRB2 (gamma-aminobutyric acid type A receptor subunit beta2; minus strand). Cytogenetic location: 5q34.
Variant type: single nucleotide variant.
Coding change: c.1060C>T on transcript NM_001371727.1 (MANE Select); coding-DNA position 1060, C replaced by T.
Protein change: p.Arg354Cys; replaces arginine 354 with cysteine.
Molecular consequence: missense variant.
Genome position (GRCh38, 1-based): chr5:161,330,900, G>A on the plus strand (C>T on the coding strand, the complement: GABRB2 is on the minus strand). VCF-style: chr5-161330900-G-A. GRCh37 (hg19) VCF-style: chr5-160757907-G-A.
Other names: c.1060C>T, p.Arg354Cys (NM_000813.3, NM_021911.3); short protein forms R354C.
Identifiers: ClinVar variation 533533 (VCV000533533.20), dbSNP rs41298406, ClinGen allele CA3543437.

ClinVar aggregate classification (germline): Likely benign. Review status: criteria provided, multiple submitters, no conflicts (2 of 4 stars). 3 submissions from 3 submitters: Likely benign (3). Last evaluated 2025-06-10.

Conditions:
Intellectual disability. Also called: Intellectual functioning disability; intellectual disabilities; Intellectual developmental disorder. Identifiers: MedGen C3714756, MeSH D008607, MONDO:0001071, HP:0001249.

Allele frequency attached by ClinVar (database versions not stated): gnomAD 0.00014 and 0.00026; TOPMed 0.00024; ExAC 0.00032; 1000 Genomes Project 30x 0.00094; 1000 Genomes Project 0.00120.
gnomAD v4.1: 586 of 1,614,220 alleles (0.036%); highest among the groups gnomAD compares: East Asian, 1%; 5 homozygotes.

Submissions (3):

Labcorp Genetics (formerly Invitae), Labcorp
Classification: Likely benign for Intellectual disability. Last evaluated: 2025-06-10. Review status: criteria provided, single submitter. Criteria: Invitae Variant Classification Sherloc (09022015). Collection method: clinical testing. Allele origin: germline.

CeGaT Center for Human Genetics Tuebingen
Classification: Likely benign. Last evaluated: 2025-03-01. Review status: criteria provided, single submitter. Criteria: CeGaT Center For Human Genetics Tuebingen Variant Classification Criteria Version 2. Collection method: clinical testing. Allele origin: germline. Affected: yes. Observed: 1 variant allele.
Comment: GABRB2: BS1

Blueprint Genetics
Classification: Likely benign. Last evaluated: 2024-10-17. Review status: criteria provided, single submitter. Criteria: ACMG Guidelines, 2015. Collection method: clinical testing. Allele origin: germline.